The following is an entry in ClinVar:

NM_000341.4(SLC3A1):c.451T>A (p.Tyr151Asn)

Gene: SLC3A1 (solute carrier family 3 member 1; plus strand). Cytogenetic location: 2p21.
Variant type: single nucleotide variant.
Coding change: c.451T>A on transcript NM_000341.4 (MANE Select); coding-DNA position 451, T replaced by A.
Protein change: p.Tyr151Asn; replaces tyrosine 151 with asparagine.
Molecular consequence: missense variant.
Genome position (GRCh38, 1-based): chr2:44,280,736, T>A. VCF-style: chr2-44280736-T-A. GRCh37 (hg19) VCF-style: chr2-44507875-T-A.
Other names: short protein forms Y151N.
Identifiers: ClinVar variation 4993737 (VCV004993737.1).
Genomic context (GRCh38, chr2:44,280,736, plus strand): 5'-CAAAGTAGGGTTTATTCATGACTTTGACTTTTTTCTTCAGGTATTCAAGATAAACTGGAC[T>A]ACATCACAGCTTTAAATATAAAAACTGTTTGGATTACTTCATTTTATAAATCGTCCCTTA-3'
Protein context (NP_000332.2, residues 141-161): DLKGIQDKLD[Tyr151Asn]ITALNIKTVW

ClinVar aggregate classification (germline): Uncertain significance (1 of 4 stars; one submission).

Conditions:
SLC3A1-related disorder. Also called: SLC3A1-related condition.

gnomAD v4.1: 14 of 1,610,020 alleles (0.00087%); highest among the groups gnomAD compares: African/African-American, 0.0013%; no homozygotes.

Submission:

PreventionGenetics, part of Exact Sciences
Classification: Uncertain significance for SLC3A1-related condition. Last evaluated: 2026-01-02. Review status: criteria provided, single submitter. Criteria: ACMG Guidelines, 2015. Collection method: clinical testing. Allele origin: germline.
Comment: The SLC3A1 c.451T>A variant is predicted to result in the amino acid substitution p.Tyr151Asn. This variant has been reported in an individual with cystinuria (Bisceglia et al. 1996. PubMed ID: 8792820). An alternate amino acid change at the same codon in SLC3A1, p.Tyr151Cys, has been reported as pathogenic in association with cystinuria (see for example, Harnevik et al. 2001. PubMed ID: 11748844). This variant has not been reported in a large population database (gnomAD), indicating this variant is rare. Although we suspect that this variant may be pathogenic, at this time, the clinical significance of this variant is uncertain due to the absence of conclusive functional and genetic evidence.